The following is an entry in ClinVar:

NM_015164.4(PLEKHM2):c.2071G>T (p.Ala691Ser)

Gene: PLEKHM2 (pleckstrin homology and RUN domain containing M2; plus strand). Cytogenetic location: 1p36.21.
Variant type: single nucleotide variant.
Coding change: c.2071G>T on transcript NM_015164.4 (MANE Select); coding-DNA position 2071, G replaced by T.
Protein change: p.Ala691Ser; replaces alanine 691 with serine.
Molecular consequence: missense variant.
Genome position (GRCh38, 1-based): chr1:15,729,186, G>T. VCF-style: chr1-15729186-G-T. GRCh37 (hg19) VCF-style: chr1-16055681-G-T.
Other names: c.2011G>T, p.Ala671Ser (NM_001410755.1); short protein forms A671S, A691S.
Identifiers: ClinVar variation 2414614 (VCV002414614.6), dbSNP rs1006906978, ClinGen allele CA18266842.
Genomic context (GRCh38, chr1:15,729,186, plus strand): 5'-AAGCTGGTGTGCACCAACCGCAGGAAGCAGTTTCTGCTGGACACGGCTGATGTGGCGCTG[G>T]CTGAGTGAGTGGCAACCCCGCCCCTCTGGAAGGATTGGAGAGTTCGCAGCCGCCCATAGG-3'
Protein context (NP_055979.2, residues 681-701): FLLDTADVAL[Ala691Ser]EFFLASLKSA

ClinVar aggregate classification (germline): Uncertain significance (1 of 4 stars; one submission).

Allele frequency attached by ClinVar (database versions not stated): gnomAD 0.00001; TOPMed 0.00001.
gnomAD v4.1: 3 of 1,608,766 alleles (0.00019%); highest among the groups gnomAD compares: African/African-American, 0.004%; no homozygotes.

Submission:

Labcorp Genetics (formerly Invitae), Labcorp
Classification: Uncertain significance. Last evaluated: 2021-12-18. Review status: criteria provided, single submitter. Criteria: Invitae Variant Classification Sherloc (09022015). Collection method: clinical testing. Allele origin: germline.
Comment: In summary, the available evidence is currently insufficient to determine the role of this variant in disease. Therefore, it has been classified as a Variant of Uncertain Significance. Algorithms developed to predict the effect of missense changes on protein structure and function (SIFT, PolyPhen-2, Align-GVGD) all suggest that this variant is likely to be tolerated. This variant has not been reported in the literature in individuals affected with PLEKHM2-related conditions. This variant is not present in population databases (gnomAD no frequency). This sequence change replaces alanine, which is neutral and non-polar, with serine, which is neutral and polar, at codon 691 of the PLEKHM2 protein (p.Ala691Ser).